The following is an entry in ClinVar:

ClinVar aggregate classification (germline): Likely benign. Review status: criteria provided, single submitter (1 of 4 stars). 2 submissions from 2 submitters: Likely benign (1). 1 of the submissions does not count toward it. Last evaluated 2025-09-02.

Conditions:
DST-related disorder. Also called: DST-related disorders; DST-related condition.
Hereditary sensory and autonomic neuropathy type 6. Also called: HSAN VI; Neuropathy, hereditary sensory and autonomic, type VI. Identifiers: Orphanet 314381, MedGen C3539003, MONDO:0013839, OMIM 614653.
Epidermolysis bullosa simplex 3, localized or generalized intermediate, with BP230 deficiency (EBS3). Also called: Epidermolysis bullosa simplex due to BP230 deficiency; Epidermolysis bullosa simplex, autosomal recessive 2. Identifiers: Orphanet 412181, MedGen C3809470, MONDO:0014180, OMIM 615425.

Allele frequency attached by ClinVar (database versions not stated): gnomAD exomes 0.00017 and 0.00043; gnomAD 0.00019 and 0.00021; TOPMed 0.00028; ExAC 0.00063.
gnomAD v4.1: 128 of 1,587,398 alleles (0.0081%); highest among the groups gnomAD compares: Admixed American, 0.23%; 1 homozygote.

Submissions (2):

Labcorp Genetics (formerly Invitae), Labcorp
Classification: Likely benign for Epidermolysis bullosa simplex 3, localized or generalized intermediate, with BP230 deficiency; Hereditary sensory and autonomic neuropathy type 6. Last evaluated: 2025-09-02. Review status: criteria provided, single submitter. Criteria: Invitae Variant Classification Sherloc (09022015). Collection method: clinical testing. Allele origin: germline.

PreventionGenetics, part of Exact Sciences
Classification: Likely benign for DST-related condition. Last evaluated: 2022-03-28. Review status: no assertion criteria provided. Collection method: clinical testing. Allele origin: germline. Not counted in ClinVar's aggregate classification.
Comment: This variant is classified as likely benign based on ACMG/AMP sequence variant interpretation guidelines (Richards et al. 2015 PMID: 25741868, with internal and published modifications).

NM_001374736.1(DST):c.18754G>A (p.Asp6252Asn)

Gene: DST (dystonin; minus strand). Cytogenetic location: 6p12.1.
Variant type: single nucleotide variant.
Coding change: c.18754G>A on transcript NM_001374736.1 (MANE Select); coding-DNA position 18754, G replaced by A.
Protein change: p.Asp6252Asn; replaces aspartic acid 6252 with asparagine.
Molecular consequence: missense variant.
Genome position (GRCh38, 1-based): chr6:56,511,223, C>T on the plus strand (G>A on the coding strand, the complement: DST is on the minus strand). VCF-style: chr6-56511223-C-T. GRCh37 (hg19) VCF-style: chr6-56376021-C-T.
Other names: c.12397G>A, p.Asp4133Asn (NM_001144769.5); c.11983G>A, p.Asp3995Asn (NM_001144770.2); c.18754G>A, p.Asp6252Asn (NM_001374722.1); c.17794G>A, p.Asp5932Asn (NM_001374729.1); c.11536G>A, p.Asp3846Asn (NM_001374730.1); c.18781G>A, p.Asp6261Asn (NM_001374734.1); c.11863G>A, p.Asp3955Asn (NM_001386100.1, NM_183380.4); c.10885G>A, p.Asp3629Asn (NM_015548.5); and 1 more; short protein forms D3629N, D3846N, D3955N, D3995N, D4133N, D5932N, D6252N, D6261N.
Identifiers: ClinVar variation 1114170 (VCV001114170.11), dbSNP rs776644026, ClinGen allele CA3867160.
Genomic context (GRCh38, chr6:56,511,223, plus strand): 5'-AGAACCCAATTCTATATCTAGTGTAAACAATTACCTGAGTTGATTGAGAAATGGCTTCAT[C>T]CAGTGCCACAGCACGCTTTTTGACATCTTCTTTAATTTGACTGTAAAGGGTGTCGGCTGC-3'
Protein context (NP_001361665.1, residues 6242-6262): EDVKKRAVAL[Asp6252Asn]EAISQSTQFH